The following is an entry in ClinVar:

NM_032805.3(ZSCAN10):c.849C>T (p.Ala283=)

Gene: ZSCAN10 (zinc finger and SCAN domain containing 10; minus strand). Cytogenetic location: 16p13.3.
Variant type: single nucleotide variant.
Coding change: c.849C>T on transcript NM_032805.3 (MANE Select); coding-DNA position 849, C replaced by T.
Protein change: p.Ala283=; no amino-acid change (alanine 283 retained).
Molecular consequence: synonymous variant. On other transcripts: 5 prime UTR variant (2).
Genome position (GRCh38, 1-based): chr16:3,090,585, G>A on the plus strand (C>T on the coding strand, the complement: ZSCAN10 is on the minus strand). VCF-style: chr16-3090585-G-A. GRCh37 (hg19) VCF-style: chr16-3140586-G-A.
Other names: c.-334C>T (NM_001282415.2, NM_001365273.1); c.438C>T, p.Ala146= (NM_001282416.2); c.303C>T, p.Ala101= (NM_001365272.1).
Identifiers: ClinVar variation 5039449 (VCV005039449.1).

ClinVar aggregate classification (germline): Likely benign (1 of 4 stars; one submission).

gnomAD v4.1: 2 of 1,579,630 alleles (0.00013%); highest among the groups gnomAD compares: Admixed American, 0.0018%; no homozygotes.

Submission:

CeGaT Center for Human Genetics Tuebingen
Classification: Likely benign. Last evaluated: 2026-07-01. Review status: criteria provided, single submitter. Criteria: CeGaT Center For Human Genetics Tuebingen Variant Classification Criteria Version 2. Collection method: clinical testing. Allele origin: germline. Affected: yes. Observed: 1 variant allele.
Comment: ZSCAN10: BP4, BP7